The following is an entry in ClinVar:

NM_004655.4(AXIN2):c.2368C>T (p.His790Tyr)

Gene: AXIN2 (axin 2; minus strand). Cytogenetic location: 17q24.1.
Variant type: single nucleotide variant.
Coding change: c.2368C>T on transcript NM_004655.4 (MANE Select); coding-DNA position 2368, C replaced by T.
Protein change: p.His790Tyr; replaces histidine 790 with tyrosine.
Molecular consequence: missense variant.
Genome position (GRCh38, 1-based): chr17:65,533,949, G>A on the plus strand (C>T on the coding strand, the complement: AXIN2 is on the minus strand). VCF-style: chr17-65533949-G-A. GRCh37 (hg19) VCF-style: chr17-63530067-G-A.
Other names: c.2173C>T, p.His725Tyr (NM_001363813.1); c.2368C>T (LRG_296t1); short protein forms H790Y, H725Y.
Identifiers: ClinVar variation 533184 (VCV000533184.14), dbSNP rs1475599007, ClinGen allele CA400675402.

ClinVar aggregate classification (germline): Uncertain significance. Review status: criteria provided, multiple submitters, no conflicts (2 of 4 stars). 2 submissions from 2 submitters: Uncertain significance (2). Last evaluated 2024-08-26.

Conditions:
Hereditary cancer-predisposing syndrome. Also called: Hereditary neoplastic syndrome; Neoplastic Syndromes, Hereditary; Tumor predisposition; Hereditary Cancer Syndrome. Identifiers: Orphanet 140162, MedGen C0027672, MeSH D009386, MONDO:0015356.
Oligodontia-cancer predisposition syndrome. Also called: TOOTH AGENESIS-COLORECTAL CANCER SYNDROME. Identifiers: Orphanet 300576, MedGen C1837750, MONDO:0012075, OMIM 608615. Disease mechanism: loss of function.

Allele frequency attached by ClinVar (database versions not stated): gnomAD 0.00001.
gnomAD v4.1: 1 of 1,613,978 alleles (0.000062%); highest among the groups gnomAD compares: African/African-American, 0.0013%; no homozygotes.

Submissions (2):

Ambry Genetics
Classification: Uncertain significance for Hereditary cancer-predisposing syndrome. Last evaluated: 2024-08-26. Review status: criteria provided, single submitter. Criteria: Ambry Variant Classification Scheme 2023. Collection method: clinical testing. Allele origin: germline.
Comment: The p.H790Y variant (also known as c.2368C>T), located in coding exon 9 of the AXIN2 gene, results from a C to T substitution at nucleotide position 2368. The histidine at codon 790 is replaced by tyrosine, an amino acid with similar properties. This variant has been reported in 1/1120 pediatric cancer patients who underwent whole genome sequencing and/or whole-exome sequencing; this patient was diagnosed with acute lymphocytic leukemia. This amino acid position is well conserved in available vertebrate species. In addition, the in silico prediction for this alteration is inconclusive. Since supporting evidence is limited at this time, the clinical significance of this alteration remains unclear.

Labcorp Genetics (formerly Invitae), Labcorp
Classification: Uncertain significance for Oligodontia-cancer predisposition syndrome. Last evaluated: 2024-05-28. Review status: criteria provided, single submitter. Criteria: Invitae Variant Classification Sherloc (09022015). Collection method: clinical testing. Allele origin: germline.
Comment: This sequence change replaces histidine, which is basic and polar, with tyrosine, which is neutral and polar, at codon 790 of the AXIN2 protein (p.His790Tyr). This variant is present in population databases (no rsID available, gnomAD 0.004%). This variant has not been reported in the literature in individuals affected with AXIN2-related conditions. ClinVar contains an entry for this variant (Variation ID: 533184). Advanced modeling of protein sequence and biophysical properties (such as structural, functional, and spatial information, amino acid conservation, physicochemical variation, residue mobility, and thermodynamic stability) performed at Invitae indicates that this missense variant is expected to disrupt AXIN2 protein function with a positive predictive value of 80%. In summary, the available evidence is currently insufficient to determine the role of this variant in disease. Therefore, it has been classified as a Variant of Uncertain Significance.

Literature cited by the submitters: PubMed 26580448 (cited by Ambry Genetics).